The following is an entry in ClinVar:

NM_022552.5(DNMT3A):c.343C>G (p.Pro115Ala)

Gene: DNMT3A (DNA methyltransferase 3 alpha; minus strand). Cytogenetic location: 2p23.3.
Variant type: single nucleotide variant.
Coding change: c.343C>G on transcript NM_022552.5 (MANE Select); coding-DNA position 343, C replaced by G.
Protein change: p.Pro115Ala; replaces proline 115 with alanine.
Molecular consequence: missense variant. On other transcripts: non-coding transcript variant (1).
Genome position (GRCh38, 1-based): chr2:25,282,546, G>C on the plus strand (C>G on the coding strand, the complement: DNMT3A is on the minus strand). VCF-style: chr2-25282546-G-C. GRCh37 (hg19) VCF-style: chr2-25505415-G-C.
Other names: c.343C>G, p.Pro115Ala (NM_001320892.2, NM_175629.2, NM_175630.1); short protein forms P115A.
Identifiers: ClinVar variation 1378658 (VCV001378658.6), dbSNP rs1170030002, ClinGen allele CA346083855.

ClinVar aggregate classification (germline): Uncertain significance (1 of 4 stars; one submission).

Conditions:
Tatton-Brown-Rahman overgrowth syndrome. Also called: Tall stature-intellectual disability-facial dysmorphism syndrome; Tatton-Brown-Rahman syndrome. Identifiers: Orphanet 404443, MedGen C4014545, MONDO:0014382, OMIM 615879.

Allele frequency attached by ClinVar (database versions not stated): TOPMed below 0.00001; gnomAD 0.00001.
gnomAD v4.1: 1 of 1,613,252 alleles (0.000062%); highest among the groups gnomAD compares: Non-Finnish European, 0.000085%; no homozygotes.

Submission:

Labcorp Genetics (formerly Invitae), Labcorp
Classification: Uncertain significance for Tatton-Brown-Rahman overgrowth syndrome. Last evaluated: 2022-07-19. Review status: criteria provided, single submitter. Criteria: Invitae Variant Classification Sherloc (09022015). Collection method: clinical testing. Allele origin: germline.
Comment: ClinVar contains an entry for this variant (Variation ID: 1378658). In summary, the available evidence is currently insufficient to determine the role of this variant in disease. Therefore, it has been classified as a Variant of Uncertain Significance. Algorithms developed to predict the effect of missense changes on protein structure and function (SIFT, PolyPhen-2, Align-GVGD) all suggest that this variant is likely to be tolerated. This variant has not been reported in the literature in individuals affected with DNMT3A-related conditions. This variant is not present in population databases (gnomAD no frequency). This sequence change replaces proline, which is neutral and non-polar, with alanine, which is neutral and non-polar, at codon 115 of the DNMT3A protein (p.Pro115Ala).